The following is an entry in ClinVar:

ClinVar aggregate classification (germline): Uncertain significance. Review status: criteria provided, multiple submitters, no conflicts (2 of 4 stars). 7 submissions from 7 submitters: Uncertain significance (6). 1 of the submissions does not count toward it. Last evaluated 2024-03-14.

Conditions:
Familial Mediterranean fever (FMF). Also called: Periodic peritonitis; Benign paroxysmal peritonitis; POLYSEROSITIS, FAMILIAL PAROXYSMAL; POLYSEROSITIS, RECURRENT. Identifiers: Orphanet 342, MedGen C0031069, MONDO:0018088, OMIM 249100. Disease mechanism: gain of function.
Familial Mediterranean fever, autosomal dominant. Also called: Dominant Familial Mediterranean Fever; FMF, AUTOSOMAL DOMINANT. Identifiers: Orphanet 342, MedGen C1851347, MONDO:0007601, OMIM 134610.
Acute febrile neutrophilic dermatosis (AFND). Also called: Sweet Syndrome; Gomm Button disease. Identifiers: Orphanet 3243, MedGen C0085077, MONDO:0011959, OMIM 608068.

Allele frequency attached by ClinVar (database versions not stated): 1000 Genomes Project 30x 0.00047; TOPMed 0.00005; 1000 Genomes Project 0.00040.
gnomAD v4.1: 38 of 1,614,050 alleles (0.0024%); highest among the groups gnomAD compares: African/African-American, 0.011%; no homozygotes.

Submissions (7):

GeneDx
Classification: Uncertain significance. Last evaluated: 2024-03-14. Review status: criteria provided, single submitter. Criteria: GeneDx Variant Classification Process June 2021. Collection method: clinical testing. Allele origin: germline. Affected: yes.
Comment: In silico analysis supports that this missense variant has a deleterious effect on protein structure/function; Has not been previously published as pathogenic or benign to our knowledge

Fulgent Genetics
Classification: Uncertain significance for Familial Mediterranean fever, autosomal dominant; Familial Mediterranean fever; Acute febrile neutrophilic dermatosis. Last evaluated: 2024-01-04. Review status: criteria provided, single submitter. Criteria: ACMG Guidelines, 2015. Collection method: clinical testing. Allele origin: germline.

Labcorp Genetics (formerly Invitae), Labcorp
Classification: Uncertain significance for Familial Mediterranean fever. Last evaluated: 2022-06-22. Review status: criteria provided, single submitter. Criteria: Invitae Variant Classification Sherloc (09022015). Collection method: clinical testing. Allele origin: germline.
Comment: This sequence change replaces arginine, which is basic and polar, with histidine, which is basic and polar, at codon 579 of the MEFV protein (p.Arg579His). This variant is present in population databases (rs574055513, gnomAD 0.02%). This variant has not been reported in the literature in individuals affected with MEFV-related conditions. ClinVar contains an entry for this variant (Variation ID: 319109). Algorithms developed to predict the effect of missense changes on protein structure and function output the following: SIFT: "Tolerated"; PolyPhen-2: "Benign"; Align-GVGD: "Class C0". The histidine amino acid residue is found in multiple mammalian species, which suggests that this missense change does not adversely affect protein function. In summary, the available evidence is currently insufficient to determine the role of this variant in disease. Therefore, it has been classified as a Variant of Uncertain Significance.

Mayo Clinic Laboratories, Mayo Clinic
Classification: Uncertain significance. Last evaluated: 2021-08-10. Review status: criteria provided, single submitter. Criteria: ACMG Guidelines, 2015. Collection method: clinical testing. Allele origin: germline.

Genome-Nilou Lab
Classification: Uncertain significance for Familial Mediterranean fever. Last evaluated: 2021-06-10. Review status: criteria provided, single submitter. Criteria: ACMG Guidelines, 2015. Collection method: clinical testing. Allele origin: germline. Affected: no.

Illumina Laboratory Services, Illumina
Classification: Uncertain significance for Familial Mediterranean fever. Last evaluated: 2018-01-12. Review status: criteria provided, single submitter. Criteria: ICSL Variant Classification Criteria 13 December 2019. Collection method: clinical testing. Allele origin: germline.

Natera, Inc.
Classification: Uncertain significance for Familial Mediterranean fever. Last evaluated: 2019-10-28. Review status: no assertion criteria provided. Collection method: clinical testing. Allele origin: germline. Not counted in ClinVar's aggregate classification.

NM_000243.3(MEFV):c.1736G>A (p.Arg579His)

Genes: MEFV (MEFV innate immunity regulator, pyrin; minus strand), LOC126862264 (CDK7 strongly-dependent group 2 enhancer GRCh37_chr16:3293322-3294521; plus strand). Cytogenetic location: 16p13.3.
Variant type: single nucleotide variant.
Coding change: c.1736G>A on transcript NM_000243.3 (MANE Select); coding-DNA position 1736, G replaced by A.
Protein change: p.Arg579His; replaces arginine 579 with histidine.
Molecular consequence: missense variant.
Genome position (GRCh38, 1-based): chr16:3,244,277, C>T on the plus strand (G>A on the coding strand, the complement: MEFV is on the minus strand). VCF-style: chr16-3244277-C-T. GRCh37 (hg19) VCF-style: chr16-3294277-C-T.
Other names: p.Arg579His; c.1103G>A, p.Arg368His (NM_001198536.2); short protein forms R579H, R368H.
Identifiers: ClinVar variation 319109 (VCV000319109.24), dbSNP rs574055513, ClinGen allele CA7860007.
Genomic context (GRCh38, chr16:3,244,277, plus strand): 5'-ACCCCAGGCCAGCACACACCATTACCGCTGGACTCACCATTGAACATTTCCATTTCTGAA[C>T]GCAGGGTTTCTAAAATGTGGGAAAGGGAGCAGAGAGAAGCTGGAGTTAGGTCCCTCAGCC-3'
Protein context (NP_000234.1, residues 569-589): KSTKYFSETL[Arg579His]SEMEMFNVPE